The following is an entry in ClinVar:

NM_004320.6(ATP2A1):c.2464C>T (p.Arg822Trp)

Gene: ATP2A1 (ATPase sarcoplasmic/endoplasmic reticulum Ca2+ transporting 1; plus strand). Cytogenetic location: 16p11.2.
Variant type: single nucleotide variant.
Coding change: c.2464C>T on transcript NM_004320.6 (MANE Select); coding-DNA position 2464, C replaced by T.
Protein change: p.Arg822Trp; replaces arginine 822 with tryptophan.
Molecular consequence: missense variant.
Genome position (GRCh38, 1-based): chr16:28,902,326, C>T. VCF-style: chr16-28902326-C-T. GRCh37 (hg19) VCF-style: chr16-28913647-C-T.
Other names: c.2089C>T, p.Arg697Trp (NM_001286075.2); c.2464C>T, p.Arg822Trp (NM_173201.5); short protein forms R822W, R697W.
Identifiers: ClinVar variation 2186871 (VCV002186871.3), dbSNP rs772673397, ClinGen allele CA7987269.

ClinVar aggregate classification (germline): Uncertain significance. Review status: criteria provided, multiple submitters, no conflicts (2 of 4 stars). 2 submissions from 2 submitters: Uncertain significance (2). Last evaluated 2023-02-23.

Conditions:
Brody myopathy. Also called: BRODY DISEASE. Identifiers: Orphanet 53347, MedGen C1832918, MONDO:0010977, OMIM 601003.

Allele frequency attached by ClinVar (database versions not stated): gnomAD 0.00001; TOPMed 0.00001.
gnomAD v4.1: 12 of 1,614,034 alleles (0.00074%); highest among the groups gnomAD compares: East Asian, 0.0022%; no homozygotes.

Submissions (2):

3billion
Classification: Uncertain significance for Brody myopathy. Last evaluated: 2023-02-23. Review status: criteria provided, single submitter. Criteria: ACMG Guidelines, 2015. Collection method: clinical testing. Allele origin: unknown. Affected: yes.
Comment: The variant is observed at an extremely low frequency in the gnomAD v2.1.1 dataset (total allele frequency: 0.002%). In silico tool predictions suggest damaging effect of the variant on gene or gene product (REVEL: 0.79). Therefore, this variant is classified as VUS according to the recommendation of ACMG/AMP guideline.

Labcorp Genetics (formerly Invitae), Labcorp
Classification: Uncertain significance for Brody myopathy. Last evaluated: 2022-03-14. Review status: criteria provided, single submitter. Criteria: Invitae Variant Classification Sherloc (09022015). Collection method: clinical testing. Allele origin: germline.
Comment: In summary, the available evidence is currently insufficient to determine the role of this variant in disease. Therefore, it has been classified as a Variant of Uncertain Significance. Algorithms developed to predict the effect of missense changes on protein structure and function are either unavailable or do not agree on the potential impact of this missense change (SIFT: "Deleterious"; PolyPhen-2: "Probably Damaging"; Align-GVGD: "Class C0"). This variant has not been reported in the literature in individuals affected with ATP2A1-related conditions. This variant is present in population databases (rs772673397, gnomAD 0.006%). This sequence change replaces arginine, which is basic and polar, with tryptophan, which is neutral and slightly polar, at codon 822 of the ATP2A1 protein (p.Arg822Trp).